The following is an entry in ClinVar:

ClinVar aggregate classification (germline): Uncertain significance (1 of 4 stars; one submission).

Conditions:
Gnathodiaphyseal dysplasia (GDD). Also called: GNATHODIAPHYSEAL SCLEROSIS; OSTEOGENESIS IMPERFECTA WITH UNUSUAL SKELETAL LESIONS. Identifiers: Orphanet 53697, MedGen C1833736, MONDO:0008151, OMIM 166260.
Autosomal recessive limb-girdle muscular dystrophy type 2L (LGMDR12). Also called: Limb-girdle muscular dystrophy, type 2L; MUSCULAR DYSTROPHY, LIMB-GIRDLE, AUTOSOMAL RECESSIVE 12; Limb-Girdle Muscular Dystrophy R12 Anoctamin-5-Related (LGMD-R12). Identifiers: Orphanet 206549, MedGen C1969785, MONDO:0012652, OMIM 611307.

Submission:

Labcorp Genetics (formerly Invitae), Labcorp
Classification: Uncertain significance for Autosomal recessive limb-girdle muscular dystrophy type 2L; Gnathodiaphyseal dysplasia. Last evaluated: 2025-08-19. Review status: criteria provided, single submitter. Criteria: Invitae Variant Classification Sherloc (09022015). Collection method: clinical testing. Allele origin: germline.
Comment: This sequence change replaces aspartic acid, which is acidic and polar, with valine, which is neutral and non-polar, at codon 89 of the ANO5 protein (p.Asp89Val). This variant is not present in population databases (gnomAD no frequency). This variant has not been reported in the literature in individuals affected with ANO5-related conditions. Invitae Evidence Modeling of protein sequence and biophysical properties (such as structural, functional, and spatial information, amino acid conservation, physicochemical variation, residue mobility, and thermodynamic stability) has been performed for this missense variant. However, the output from this modeling did not meet the statistical confidence thresholds required to predict the impact of this variant on ANO5 protein function. In summary, the available evidence is currently insufficient to determine the role of this variant in disease. Therefore, it has been classified as a Variant of Uncertain Significance.

NM_213599.3(ANO5):c.266A>T (p.Asp89Val)

Gene: ANO5 (anoctamin 5; plus strand). Cytogenetic location: 11p14.3.
Variant type: single nucleotide variant.
Coding change: c.266A>T on transcript NM_213599.3 (MANE Select); coding-DNA position 266, A replaced by T.
Protein change: p.Asp89Val; replaces aspartic acid 89 with valine.
Molecular consequence: missense variant.
Genome position (GRCh38, 1-based): chr11:22,221,182, A>T. VCF-style: chr11-22221182-A-T. GRCh37 (hg19) VCF-style: chr11-22242728-A-T.
Other names: c.263A>T, p.Asp88Val (NM_001142649.2); c.224A>T, p.Asp75Val (NM_001410963.1, NM_001441298.1, NM_001441300.1); c.221A>T, p.Asp74Val (NM_001410964.1, NM_001441299.1, NM_001441301.1); c.188A>T, p.Asp63Val (NM_001441294.1); c.185A>T, p.Asp62Val (NM_001441295.1); c.173A>T, p.Asp58Val (NM_001441296.1, NM_001441302.1); c.146A>T, p.Asp49Val (NM_001441297.1); short protein forms D49V, D63V, D75V, D89V, D58V, D88V, D74V, D62V.
Identifiers: ClinVar variation 4789390 (VCV004789390.1).